The following is an entry in ClinVar:

ClinVar aggregate classification (germline): Benign/Likely benign. Review status: criteria provided, multiple submitters, no conflicts (2 of 4 stars). 2 submissions from 2 submitters: Benign (1); Likely benign (1). Last evaluated 2026-04-15.

Conditions:
DICER1-related tumor predisposition. Also called: DICER1-related pleuropulmonary blastoma cancer predisposition syndrome; DICER1 syndrome. Identifiers: Orphanet 284343, MedGen C3839822, MONDO:0100216.

Submissions (2):

Myriad Genetics, Inc.
Classification: Benign for DICER1-related tumor predisposition. Last evaluated: 2026-04-15. Review status: criteria provided, single submitter. Criteria: Myriad Autosomal Dominant, Autosomal Recessive and X-Linked Classification Criteria (2023). Collection method: clinical testing. Allele origin: unknown.
Comment: This variant is considered benign. This variant is a silent/synonymous amino acid change and it is not expected to impact splicing.

Labcorp Genetics (formerly Invitae), Labcorp
Classification: Likely benign for DICER1-related tumor predisposition. Last evaluated: 2024-05-21. Review status: criteria provided, single submitter. Criteria: Invitae Variant Classification Sherloc (09022015). Collection method: clinical testing. Allele origin: germline.

NM_177438.3(DICER1):c.768T>C (p.Asp256=)

Gene: DICER1 (dicer 1, ribonuclease III; minus strand). Cytogenetic location: 14q32.13.
Variant type: single nucleotide variant.
Coding change: c.768T>C on transcript NM_177438.3 (MANE Select); coding-DNA position 768, T replaced by C.
Protein change: p.Asp256=; no amino-acid change (aspartic acid 256 retained).
Molecular consequence: synonymous variant. On other transcripts: 5 prime UTR variant (1), non-coding transcript variant (6).
Genome position (GRCh38, 1-based): chr14:95,126,715, A>G on the plus strand (T>C on the coding strand, the complement: DICER1 is on the minus strand). VCF-style: chr14-95126715-A-G. GRCh37 (hg19) VCF-style: chr14-95593052-A-G.
Other names: c.768T>C, p.Asp256= (NM_001195573.1, NM_001271282.3, NM_001291628.2 and 15 more transcripts); c.486T>C, p.Asp162= (NM_001395686.1); c.363T>C, p.Asp121= (NM_001395687.1, NM_001395688.1, NM_001395689.1 and 3 more transcripts); c.201T>C, p.Asp67= (NM_001395691.1); c.-801T>C (NM_001395697.1).
Identifiers: ClinVar variation 3015308 (VCV003015308.4), dbSNP rs2543231467, ClinGen allele CA487633590.